The following is an entry in ClinVar:

ClinVar aggregate classification (germline): Uncertain significance (1 of 4 stars; one submission).

Submission:

Dasa
Classification: Uncertain significance. Last evaluated: 2025-02-05. Review status: criteria provided, single submitter. Criteria: DASA Assertion Criteria. Collection method: clinical testing. Allele origin: germline.
Comment: NM_002470.4(MYH3):c.2925+3_2925+19del is a splice-region variant. This variant is absent from population databases. The currently available literature and clinical evidence are not sufficient to establish a definitive association between this variant and the reported condition. Therefore, this variant is classified as a variant of uncertain significance.

NM_002470.4(MYH3):c.2925+3_2925+19del

Gene: MYH3 (myosin heavy chain 3; minus strand). Cytogenetic location: 17p13.1.
Variant type: Deletion.
Coding change: c.2925+3_2925+19del on transcript NM_002470.4 (MANE Select); bases 3 to 19 of the intron after coding-DNA position 2925, 17 bases deleted (ATTCTTATTGTAGGTGT).
Molecular consequence: splice donor variant.
Genome position (GRCh38, 1-based): chr17:10,639,541-10,639,557, ACACCTACAATAAGAAT deleted on the plus strand (ATTCTTATTGTAGGTGT on the coding strand, the reverse complement: MYH3 is on the minus strand); deleting any 17 consecutive bases within chr17:10,639,541-10,639,559 gives the same sequence; the c. name uses the placement nearest the transcript's 3' end. VCF-style (leftmost placement, unchanged base first): chr17-10639540-CACACCTACAATAAGAAT-C. GRCh37 (hg19) VCF-style: chr17-10542857-CACACCTACAATAAGAAT-C.
Identifiers: ClinVar variation 4884126 (VCV004884126.2).